The following is an entry in ClinVar:

ClinVar aggregate classification (germline): Conflicting classifications of pathogenicity. Review status: criteria provided, conflicting classifications (1 of 4 stars). 5 submissions from 5 submitters: Uncertain significance (1); Likely benign (3). 1 of the submissions does not count toward it. Last evaluated 2025-12-22.

Conditions:
DYNC2H1-related disorder. Also called: DYNC2H1-related condition; DYNC2H1-related disorders. Identifiers: MedGen CN378770.
Jeune thoracic dystrophy. Also called: Infantile thoracic dystrophy; Thoracic pelvic phalangeal dystrophy; Jeune's syndrome; Chondroectodermal dysplasia-like syndrome; Short-rib thoracic dysplasia; Jeune syndrome. Identifiers: Orphanet 474, MedGen C0265275, MONDO:0018770.
Asphyxiating thoracic dystrophy 3. Also called: SHORT-RIB THORACIC DYSPLASIA 3 WITH OR WITHOUT POLYDACTYLY; POLYDACTYLY WITH NEONATAL CHONDRODYSTROPHY, TYPE I; SHORT-RIB THORACIC DYSPLASIA 3/6 WITH POLYDACTYLY, DIGENIC; Short rib polydactyly syndrome 2B; Saldino-Noonan Syndrome. Identifiers: Orphanet 474, Orphanet 93269, Orphanet 93270, Orphanet 93271, MedGen C0036069, MONDO:0013127, OMIM 613091.

Allele frequency attached by ClinVar (database versions not stated): ESP Exome Variant Server 0.00009; gnomAD exomes 0.00009 and 0.00019; gnomAD 0.00011 and 0.00012; TOPMed 0.00013; ExAC 0.00019.
gnomAD v4.1: 141 of 1,496,722 alleles (0.0094%); highest among the groups gnomAD compares: Admixed American, 0.038%; no homozygotes.

Submissions (5):

Labcorp Genetics (formerly Invitae), Labcorp
Classification: Likely benign for Jeune thoracic dystrophy. Last evaluated: 2025-12-22. Review status: criteria provided, single submitter. Criteria: Invitae Variant Classification Sherloc (09022015). Collection method: clinical testing. Allele origin: germline.

Blueprint Genetics
Classification: Likely benign. Last evaluated: 2022-11-04. Review status: criteria provided, single submitter. Criteria: ACMG Guidelines, 2015. Collection method: clinical testing. Allele origin: germline.

Illumina Laboratory Services, Illumina
Classification: Uncertain significance for Asphyxiating thoracic dystrophy 3. Last evaluated: 2018-01-12. Review status: criteria provided, single submitter. Criteria: ICSL Variant Classification Criteria 13 December 2019. Collection method: clinical testing. Allele origin: germline.

GeneDx
Classification: Likely benign. Last evaluated: 2016-05-05. Review status: criteria provided, single submitter. Criteria: GeneDx Variant Classification (06012015). Collection method: clinical testing. Allele origin: germline. Affected: yes.
Comment: This variant is considered likely benign or benign based on one or more of the following criteria: it is a conservative change, it occurs at a poorly conserved position in the protein, it is predicted to be benign by multiple in silico algorithms, and/or has population frequency not consistent with disease.

PreventionGenetics, part of Exact Sciences
Classification: Likely benign for DYNC2H1-related condition. Last evaluated: 2021-11-30. Review status: no assertion criteria provided. Collection method: clinical testing. Allele origin: germline. Not counted in ClinVar's aggregate classification.
Comment: This variant is classified as likely benign based on ACMG/AMP sequence variant interpretation guidelines (Richards et al. 2015 PMID: 25741868, with internal and published modifications).

NM_001377.3(DYNC2H1):c.9231+12G>A

Gene: DYNC2H1 (dynein cytoplasmic 2 heavy chain 1; plus strand). Cytogenetic location: 11q22.3.
Variant type: single nucleotide variant.
Coding change: c.9231+12G>A on transcript NM_001377.3 (MANE Select); 12 bases into the intron after coding-DNA position 9231, G replaced by A.
Molecular consequence: intron variant.
Genome position (GRCh38, 1-based): chr11:103,222,165, G>A. VCF-style: chr11-103222165-G-A. GRCh37 (hg19) VCF-style: chr11-103092894-G-A.
Other names: c.9231+12G>A (NM_001080463.2).
Identifiers: ClinVar variation 302079 (VCV000302079.13), dbSNP rs369045696, ClinGen allele CA6254629.
Genomic context (GRCh38, chr11:103,222,165, plus strand): 5'-GAGTGTTGAAGAACTTCTTTTTAAAAATAAAGGCTCTTTTGATCCAAAGGTAATTTTTAA[G>A]TTATACTATAAATTTGTTTTTCCATACCATATAATATTCTGCTTTTTAAAATGTGGTGCT-3'